The following is an entry in ClinVar:

NM_000179.3(MSH6):c.809A>G (p.Lys270Arg)

Gene: MSH6 (mutS homolog 6; plus strand). Cytogenetic location: 2p16.3.
Variant type: single nucleotide variant.
Coding change: c.809A>G on transcript NM_000179.3 (MANE Select); coding-DNA position 809, A replaced by G.
Protein change: p.Lys270Arg; replaces lysine 270 with arginine.
Molecular consequence: missense variant. On other transcripts: 5 prime UTR variant (2).
Genome position (GRCh38, 1-based): chr2:47,798,792, A>G. VCF-style: chr2-47798792-A-G. GRCh37 (hg19) VCF-style: chr2-48025931-A-G.
Other names: c.419A>G, p.Lys140Arg (NM_001281492.2); c.-98A>G (NM_001281493.2, NM_001281494.2); short protein forms K270R, K140R.
Identifiers: ClinVar variation 568900 (VCV000568900.9), dbSNP rs200898010, ClinGen allele CA346740369.

ClinVar aggregate classification (germline): Uncertain significance (1 of 4 stars; one submission).

Conditions:
Hereditary nonpolyposis colorectal neoplasms. Identifiers: MedGen C0009405, MeSH D003123.

Submission:

Labcorp Genetics (formerly Invitae), Labcorp
Classification: Uncertain significance for Hereditary nonpolyposis colorectal neoplasms. Last evaluated: 2018-04-02. Review status: criteria provided, single submitter. Criteria: Invitae Variant Classification Sherloc (09022015). Collection method: clinical testing. Allele origin: germline.
Comment: This sequence change replaces lysine with arginine at codon 270 of the MSH6 protein (p.Lys270Arg). The lysine residue is weakly conserved and there is a small physicochemical difference between lysine and arginine. This variant is not present in population databases (ExAC no frequency). This variant has not been reported in the literature in individuals with MSH6-related disease. Algorithms developed to predict the effect of missense changes on protein structure and function (SIFT, PolyPhen-2, Align-GVGD) all suggest that this variant is likely to be tolerated, but these predictions have not been confirmed by published functional studies and their clinical significance is uncertain. In summary, the available evidence is currently insufficient to determine the role of this variant in disease. Therefore, it has been classified as a Variant of Uncertain Significance.